The following is an entry in ClinVar:

ClinVar aggregate classification (germline): Uncertain significance. Review status: criteria provided, multiple submitters, no conflicts (2 of 4 stars). 2 submissions from 2 submitters: Uncertain significance (2). Last evaluated 2024-05-30.

Conditions:
Inborn genetic diseases. Identifiers: MedGen C0950123, MeSH D030342.
Familial hemophagocytic lymphohistiocytosis 5. Also called: STXBP2-Related Familial Hemophagocytic Lymphohistiocytosis (STXBP2-fHLH). Identifiers: Orphanet 540, MedGen C2751293, MONDO:0013135, OMIM 613101.

Allele frequency attached by ClinVar (database versions not stated): gnomAD exomes 0.00001 and 0.00002; TOPMed 0.00001; gnomAD 0.00003.
gnomAD v4.1: 36 of 1,613,870 alleles (0.0022%); highest among the groups gnomAD compares: Non-Finnish European, 0.0029%; no homozygotes.

Submissions (2):

Ambry Genetics
Classification: Uncertain significance for Inborn genetic diseases. Last evaluated: 2024-05-30. Review status: criteria provided, single submitter. Criteria: Ambry Variant Classification Scheme 2023. Collection method: clinical testing. Allele origin: germline.

Labcorp Genetics (formerly Invitae), Labcorp
Classification: Uncertain significance for Familial hemophagocytic lymphohistiocytosis 5. Last evaluated: 2022-07-26. Review status: criteria provided, single submitter. Criteria: Invitae Variant Classification Sherloc (09022015). Collection method: clinical testing. Allele origin: germline.
Comment: This sequence change replaces glutamic acid, which is acidic and polar, with glycine, which is neutral and non-polar, at codon 290 of the STXBP2 protein (p.Glu290Gly). This variant is present in population databases (no rsID available, gnomAD 0.003%). This variant has not been reported in the literature in individuals affected with STXBP2-related conditions. ClinVar contains an entry for this variant (Variation ID: 838413). Algorithms developed to predict the effect of missense changes on protein structure and function are either unavailable or do not agree on the potential impact of this missense change (SIFT: "Deleterious"; PolyPhen-2: "Possibly Damaging"; Align-GVGD: "Class C0"). In summary, the available evidence is currently insufficient to determine the role of this variant in disease. Therefore, it has been classified as a Variant of Uncertain Significance.

NM_006949.4(STXBP2):c.869A>G (p.Glu290Gly)

Gene: STXBP2 (syntaxin binding protein 2; plus strand). Cytogenetic location: 19p13.2.
Variant type: single nucleotide variant.
Coding change: c.869A>G on transcript NM_006949.4 (MANE Select); coding-DNA position 869, A replaced by G.
Protein change: p.Glu290Gly; replaces glutamic acid 290 with glycine.
Molecular consequence: missense variant. On other transcripts: non-coding transcript variant (1).
Genome position (GRCh38, 1-based): chr19:7,642,503, A>G. VCF-style: chr19-7642503-A-G. GRCh37 (hg19) VCF-style: chr19-7707389-A-G.
Other names: c.860A>G, p.Glu287Gly (NM_001127396.3); c.902A>G, p.Glu301Gly (NM_001272034.2); c.869A>G (NM_006949.2); short protein forms E287G, E290G, E301G.
Identifiers: ClinVar variation 838413 (VCV000838413.6), dbSNP rs1353855735, ClinGen allele CA403159813.